The following is an entry in ClinVar:

NM_001466.4(FZD2):c.19C>T (p.Leu7=)

Gene: FZD2 (frizzled class receptor 2; plus strand). Cytogenetic location: 17q21.31.
Variant type: single nucleotide variant.
Coding change: c.19C>T on transcript NM_001466.4 (MANE Select); coding-DNA position 19, C replaced by T.
Protein change: p.Leu7=; no amino-acid change (leucine 7 retained).
Molecular consequence: synonymous variant.
Genome position (GRCh38, 1-based): chr17:44,557,707, C>T. VCF-style: chr17-44557707-C-T. GRCh37 (hg19) VCF-style: chr17-42635075-C-T.
Other names: c.19C>T (NM_001466.3).
Identifiers: ClinVar variation 1599660 (VCV001599660.10), dbSNP rs577012342, ClinGen allele CA8604591.

ClinVar aggregate classification (germline): Benign. Review status: criteria provided, single submitter (1 of 4 stars). 2 submissions from 2 submitters: Benign (1). 1 of the submissions does not count toward it. Last evaluated 2025-10-19.

Conditions:
FZD2-related disorder. Also called: FZD2-related condition.

Allele frequency attached by ClinVar (database versions not stated): gnomAD exomes 0.00020; gnomAD 0.00041 and 0.00043; TOPMed 0.00047; 1000 Genomes Project 0.00080; ExAC 0.00102; 1000 Genomes Project 30x 0.00125.

Submissions (2):

Labcorp Genetics (formerly Invitae), Labcorp
Classification: Benign. Last evaluated: 2025-10-19. Review status: criteria provided, single submitter. Criteria: Invitae Variant Classification Sherloc (09022015). Collection method: clinical testing. Allele origin: germline.

PreventionGenetics, part of Exact Sciences
Classification: Likely benign for FZD2-related condition. Last evaluated: 2019-02-21. Review status: no assertion criteria provided. Collection method: clinical testing. Allele origin: germline. Not counted in ClinVar's aggregate classification.
Comment: This variant is classified as likely benign based on ACMG/AMP sequence variant interpretation guidelines (Richards et al. 2015 PMID: 25741868, with internal and published modifications).